The following is an entry in ClinVar:

ClinVar aggregate classification (germline): Uncertain significance (1 of 4 stars; one submission).

Submission:

GeneDx
Classification: Uncertain significance. Last evaluated: 2025-05-20. Review status: criteria provided, single submitter. Criteria: GeneDx Variant Classification Process June 2021. Collection method: clinical testing. Allele origin: germline. Affected: yes.
Comment: Not observed at significant frequency in large population cohorts (gnomAD); In silico analysis suggests that this missense variant does not alter protein structure/function; Has not been previously published as pathogenic or benign to our knowledge

NM_012479.4(YWHAG):c.293A>G (p.Gln98Arg)

Gene: YWHAG (tyrosine 3-monooxygenase/tryptophan 5-monooxygenase activation protein gamma; minus strand). Cytogenetic location: 7q11.23.
Variant type: single nucleotide variant.
Coding change: c.293A>G on transcript NM_012479.4 (MANE Select); coding-DNA position 293, A replaced by G.
Protein change: p.Gln98Arg; replaces glutamine 98 with arginine.
Molecular consequence: missense variant.
Genome position (GRCh38, 1-based): chr7:76,330,028, T>C on the plus strand (A>G on the coding strand, the complement: YWHAG is on the minus strand). VCF-style: chr7-76330028-T-C. GRCh37 (hg19) VCF-style: chr7-75959345-T-C.
Other names: short protein forms Q98R.
Identifiers: ClinVar variation 4531020 (VCV004531020.1).